The following is an entry in ClinVar:

NM_001370466.1(NOD2):c.2957T>C (p.Ile986Thr)

Genes: CYLD-AS1 (CYLD antisense RNA 1; minus strand), NOD2 (nucleotide binding oligomerization domain containing 2; plus strand). Cytogenetic location: 16q12.1.
Variant type: single nucleotide variant.
Coding change: c.2957T>C on transcript NM_001370466.1 (MANE Select); coding-DNA position 2957, T replaced by C.
Protein change: p.Ile986Thr; replaces isoleucine 986 with threonine.
Molecular consequence: missense variant. On other transcripts: non-coding transcript variant (1).
Genome position (GRCh38, 1-based): chr16:50,729,889, T>C. VCF-style: chr16-50729889-T-C. GRCh37 (hg19) VCF-style: chr16-50763800-T-C.
Other names: c.2957T>C, p.Ile986Thr (NM_001293557.2); c.3038T>C, p.Ile1013Thr (NM_022162.3); short protein forms I986T, I1013T.
Identifiers: ClinVar variation 1513192 (VCV001513192.6), dbSNP rs2150843373, ClinGen allele CA395876925.

ClinVar aggregate classification (germline): Uncertain significance (1 of 4 stars; one submission).

Conditions:
Blau syndrome (BLAUS). Also called: GRANULOMATOSIS, FAMILIAL JUVENILE SYSTEMIC; GRANULOMATOSIS, FAMILIAL, BLAU TYPE; GRANULOMATOUS INFLAMMATORY ARTHRITIS, DERMATITIS, AND UVEITIS, FAMILIAL; JABS SYNDROME; ARTHROCUTANEOUVEAL GRANULOMATOSIS. Identifiers: Orphanet 90340, MedGen C5201146, MONDO:0008523, OMIM 186580.
Regional enteritis. Also called: Enteritis, Granulomatous. Identifiers: MedGen C0678202, MeSH D003424.

Submission:

Labcorp Genetics (formerly Invitae), Labcorp
Classification: Uncertain significance for Regional enteritis; Blau syndrome. Last evaluated: 2022-06-13. Review status: criteria provided, single submitter. Criteria: Invitae Variant Classification Sherloc (09022015). Collection method: clinical testing. Allele origin: germline.
Comment: In summary, the available evidence is currently insufficient to determine the role of this variant in disease. Therefore, it has been classified as a Variant of Uncertain Significance. Advanced modeling of protein sequence and biophysical properties (such as structural, functional, and spatial information, amino acid conservation, physicochemical variation, residue mobility, and thermodynamic stability) performed at Invitae indicates that this missense variant is not expected to disrupt NOD2 protein function. This variant has not been reported in the literature in individuals affected with NOD2-related conditions. This variant is not present in population databases (gnomAD no frequency). This sequence change replaces isoleucine, which is neutral and non-polar, with threonine, which is neutral and polar, at codon 1013 of the NOD2 protein (p.Ile1013Thr).